The following is an entry in ClinVar:

ClinVar aggregate classification (germline): Uncertain significance. Review status: criteria provided, multiple submitters, no conflicts (2 of 4 stars). 4 submissions from 4 submitters: Uncertain significance (3). 1 of the submissions does not count toward it. Last evaluated 2025-06-14.

Conditions:
Cardiomyopathy (CMYO). Also called: Cardiomyopathies. Identifiers: Orphanet 167848, MedGen C0878544, MONDO:0004994, HP:0001638. Inheritance: Various modes of inheritance.
Hypertrophic cardiomyopathy. Also called: HYPERTROPHIC MYOCARDIOPATHY. Identifiers: Orphanet 217569, MedGen C0007194, MeSH D002312, MONDO:0005045, HP:0001639.

Allele frequency attached by ClinVar (database versions not stated): TOPMed 0.00001.

Submissions (4):

Labcorp Genetics (formerly Invitae), Labcorp
Classification: Uncertain significance for Hypertrophic cardiomyopathy. Last evaluated: 2025-06-14. Review status: criteria provided, single submitter. Criteria: Invitae Variant Classification Sherloc (09022015). Collection method: clinical testing. Allele origin: germline.
Comment: This sequence change replaces glutamic acid, which is acidic and polar, with aspartic acid, which is acidic and polar, at codon 474 of the MYBPC3 protein (p.Glu474Asp). This variant is not present in population databases (gnomAD no frequency). This missense change has been observed in individual(s) with clinical features of dilated cardiomyopathy (PMID: 24503780, 27532257). ClinVar contains an entry for this variant (Variation ID: 42530). An algorithm developed to predict the effect of missense changes on protein structure and function (PolyPhen-2) suggests that this variant is likely to be disruptive. In summary, the available evidence is currently insufficient to determine the role of this variant in disease. Therefore, it has been classified as a Variant of Uncertain Significance.

All of Us Research Program, National Institutes of Health
Classification: Uncertain significance for Hypertrophic cardiomyopathy. Last evaluated: 2023-11-20. Review status: criteria provided, single submitter. Criteria: ACMG Guidelines, 2015. Collection method: clinical testing. Allele origin: germline. Inheritance: Autosomal dominant inheritance. Observed: 1 variant allele, 1 heterozygote.
Comment: This missense variant replaces glutamic acid with aspartic acid at codon 474 of the MYBPC3 protein. Computational prediction suggests that this variant may not impact protein structure and function (internally defined REVEL score threshold <= 0.5, PMID: 27666373). To our knowledge, functional studies have not been reported for this variant. This variant has been reported in one individual affected with dilated cardiomyopathy (PMID: 22464770, 24503780, 27532257). This variant has not been identified in the general population by the Genome Aggregation Database (gnomAD). The available evidence is insufficient to determine the role of this variant in disease conclusively. Therefore, this variant is classified as a Variant of Uncertain Significance.

This study involves interpretation of variants in research participants for the purpose of population health screening. Participant phenotype was not available at the time of variant classification. Additional details can be found in publication PMID: 35346344, PMCID: PMC8962531

Color Diagnostics, LLC DBA Color Health
Classification: Uncertain significance for Cardiomyopathy. Last evaluated: 2023-10-26. Review status: criteria provided, single submitter. Criteria: ACMG Guidelines, 2015. Collection method: clinical testing. Allele origin: germline.
Comment: This missense variant replaces glutamic acid with aspartic acid at codon 474 of the MYBPC3 protein. Computational prediction suggests that this variant may not impact protein structure and function (internally defined REVEL score threshold <= 0.5, PMID: 27666373). To our knowledge, functional studies have not been reported for this variant. This variant has been reported in one individual affected with dilated cardiomyopathy (PMID: 22464770, 24503780, 27532257). This variant has not been identified in the general population by the Genome Aggregation Database (gnomAD). The available evidence is insufficient to determine the role of this variant in disease conclusively. Therefore, this variant is classified as a Variant of Uncertain Significance.

Laboratory for Molecular Medicine, Mass General Brigham Personalized Medicine
Classification: Uncertain significance. Last evaluated: 2009-07-21. Review status: no assertion criteria provided. Collection method: clinical testing. Allele origin: germline. Observed: 1 variant allele. Not counted in ClinVar's aggregate classification.

Literature cited by the submitters: PubMed 24503780 (cited by 3 submitters); PubMed 27532257 (cited by 3 submitters); PubMed 22464770 (cited by All of Us Research Program, National Institutes of Health and Color Diagnostics, LLC DBA Color Health).

NM_000256.3(MYBPC3):c.1422G>C (p.Glu474Asp)

Gene: MYBPC3 (myosin binding protein C3; minus strand). Cytogenetic location: 11p11.2.
Variant type: single nucleotide variant.
Coding change: c.1422G>C on transcript NM_000256.3 (MANE Select); coding-DNA position 1422, G replaced by C.
Protein change: p.Glu474Asp; replaces glutamic acid 474 with aspartic acid.
Molecular consequence: missense variant.
Genome position (GRCh38, 1-based): chr11:47,342,865, C>G on the plus strand (G>C on the coding strand, the complement: MYBPC3 is on the minus strand). VCF-style: chr11-47342865-C-G. GRCh37 (hg19) VCF-style: chr11-47364416-C-G.
Other names: short protein forms E474D.
Identifiers: ClinVar variation 42530 (VCV000042530.16), dbSNP rs397515901, ClinGen allele CA010285.